The following is an entry in ClinVar:

ClinVar aggregate classification (germline): Likely benign. Review status: criteria provided, multiple submitters, no conflicts (2 of 4 stars). 2 submissions from 2 submitters: Likely benign (2). Last evaluated 2025-11-20.

Conditions:
Charcot-Marie-Tooth disease axonal type 2Z. Also called: CHARCOT-MARIE-TOOTH DISEASE, AXONAL, AUTOSOMAL DOMINANT, TYPE 2Z; CHARCOT-MARIE-TOOTH NEUROPATHY, TYPE 2Z. Identifiers: Orphanet 466768, MedGen C5569025, MONDO:0014736, OMIM 616688.

Allele frequency attached by ClinVar (database versions not stated): gnomAD exomes 0.00003; gnomAD 0.00004; ESP Exome Variant Server 0.00008; ExAC 0.00009; 1000 Genomes Project 30x 0.00016; 1000 Genomes Project 0.00020.
gnomAD v4.1: 56 of 1,613,486 alleles (0.0035%); highest among the groups gnomAD compares: Middle Eastern, 0.086%; no homozygotes.

Submissions (2):

Labcorp Genetics (formerly Invitae), Labcorp
Classification: Likely benign for Charcot-Marie-Tooth disease axonal type 2Z. Last evaluated: 2025-11-20. Review status: criteria provided, single submitter. Criteria: Invitae Variant Classification Sherloc (09022015). Collection method: clinical testing. Allele origin: germline.

CeGaT Center for Human Genetics Tuebingen
Classification: Likely benign. Last evaluated: 2023-10-01. Review status: criteria provided, single submitter. Criteria: CeGaT Center For Human Genetics Tuebingen Variant Classification Criteria Version 2. Collection method: clinical testing. Allele origin: germline. Affected: yes. Observed: 1 variant allele.
Comment: MORC2: BP4, BP7

NM_001303256.3(MORC2):c.462C>T (p.Thr154=)

Gene: MORC2 (MORC family CW-type zinc finger 2; minus strand). Cytogenetic location: 22q12.2.
Variant type: single nucleotide variant.
Coding change: c.462C>T on transcript NM_001303256.3 (MANE Select); coding-DNA position 462, C replaced by T.
Protein change: p.Thr154=; no amino-acid change (threonine 154 retained).
Molecular consequence: synonymous variant.
Genome position (GRCh38, 1-based): chr22:30,942,236, G>A on the plus strand (C>T on the coding strand, the complement: MORC2 is on the minus strand). VCF-style: chr22-30942236-G-A. GRCh37 (hg19) VCF-style: chr22-31338223-G-A.
Other names: c.462C>T, p.Thr154= (NM_001303257.2); c.276C>T, p.Thr92= (NM_014941.3).
Identifiers: ClinVar variation 1934631 (VCV001934631.29), dbSNP rs191382105, ClinGen allele CA10187241.
Genomic context (GRCh38, chr22:30,942,236, plus strand): 5'-CTTATAGATGAGTTCTGTCTCAATGGCAAATTTCTCTACATTGTCTGTGACAGGTTCCCG[G>A]GTCCGAGCATTCCAGGTGGGCAGTGGGACTATCACCTGTGGAGTAAACATGAGCAGGCAC-3'
Protein context (NP_001290185.1, residues 144-164): IVPLPTWNAR[Thr154=]REPVTDNVEK